The following is an entry in ClinVar:

ClinVar aggregate classification (germline): Pathogenic/Likely pathogenic. Review status: criteria provided, multiple submitters, no conflicts (2 of 4 stars). 8 submissions from 8 submitters: Pathogenic (5); Likely pathogenic (1). 2 of the submissions do not count toward it. Last evaluated 2026-01-14.

Conditions:
Salla disease (SD). Also called: Less Severe FSASD (Salla Disease); Sialuria, Finnish type; N-acetylneuraminic acid (NANA) storage disease (NSD); Infantile sialic acid storage disorder (ISSD). Identifiers: Orphanet 309334, Orphanet 834, MedGen C1096903, MONDO:0011449, OMIM 604369.
Sialic acid storage disease, severe infantile type (ISSD). Also called: SIALURIA, INFANTILE FORM; INFANTILE SIALIC ACID STORAGE DISORDER; N-ACETYLNEURAMINIC ACID STORAGE DISEASE; NANA STORAGE DISEASE; Infantile Sialic Acid Storage Disease; Free sialic acid storage disease, infantile form. Identifiers: Orphanet 309324, Orphanet 834, MedGen C1096902, MONDO:0010027, OMIM 269920.

Allele frequency attached by ClinVar (database versions not stated): gnomAD exomes 0.00002 and 0.00005; TOPMed 0.00002; ExAC 0.00002; gnomAD 0.00002.

Submissions (8):

Labcorp Genetics (formerly Invitae), Labcorp
Classification: Pathogenic for Salla disease. Last evaluated: 2026-01-14. Review status: criteria provided, single submitter. Criteria: Invitae Variant Classification Sherloc (09022015). Collection method: clinical testing. Allele origin: germline.
Comment: This sequence change creates a premature translational stop signal (p.Leu170*) in the SLC17A5 gene. It is expected to result in an absent or disrupted protein product. Loss-of-function variants in SLC17A5 are known to be pathogenic (PMID: 10581036, 10947946, 15172001). This variant is present in population databases (rs386833992, gnomAD 0.003%). This premature translational stop signal has been observed in individuals with SLC17A5-related conditions (PMID: 12592494, 16715535, 28662915). ClinVar contains an entry for this variant (Variation ID: 56556). For these reasons, this variant has been classified as Pathogenic.

Natera, Inc.
Classification: Pathogenic for Salla disease. Last evaluated: 2025-10-20. Review status: criteria provided, single submitter. Criteria: Natera Variant Classification Schema (03/2026). Collection method: clinical testing. Allele origin: germline.
Comment: The c.507delA variant in SLC17A5 is a frameshift variant predicted to shift the reading frame and introduce a stop codon. This variant is expected to result in nonsense mediated decay, truncation, or a dysfunctional protein product. This variant is rare in the general population with a frequency below the threshold expected for the associated phenotype(s). This variant has been observed in one or more individuals affected with the associated recessive disease, as either homozygous or compound heterozygous with a second variant (PMID: 12592494). Given the available evidence, this variant is classified as Pathogenic.

Fulgent Genetics
Classification: Pathogenic for Sialic acid storage disease, severe infantile type; Salla disease. Last evaluated: 2024-03-28. Review status: criteria provided, single submitter. Criteria: ACMG Guidelines, 2015. Collection method: clinical testing. Allele origin: germline.

Baylor Genetics
Classification: Pathogenic for Salla disease. Last evaluated: 2023-06-08. Review status: criteria provided, single submitter. Criteria: ACMG Guidelines, 2015. Collection method: clinical testing. Allele origin: unknown.

Genome-Nilou Lab
Classification: Pathogenic for Salla disease. Last evaluated: 2021-09-05. Review status: criteria provided, single submitter. Criteria: ACMG Guidelines, 2015. Collection method: clinical testing. Allele origin: germline. Affected: no.

Women's Health and Genetics/Laboratory Corporation of America, LabCorp
Classification: Likely pathogenic for Salla disease. Last evaluated: 2021-01-04. Review status: criteria provided, single submitter. Criteria: LabCorp Variant Classification Summary - May 2015. Collection method: clinical testing. Allele origin: germline.
Comment: Variant summary: SLC17A5 c.507delA (p.Leu170X) results in a premature termination codon, predicted to cause a truncation of the encoded protein or absence of the protein due to nonsense mediated decay, which are commonly known mechanisms for disease. Truncations downstream of this position have been classified as pathogenic by our laboratory. The variant allele was found at a frequency of 1.6e-05 in 250998 control chromosomes. c.507delA has been reported in the literature in at least one individual affected with Sialic Acid Storage Disorder (Aula_2006). To our knowledge, no experimental evidence demonstrating an impact on protein function has been reported. One clinical diagnostic laboratory has submitted clinical-significance assessments for this variant to ClinVar after 2014 without evidence for independent evaluation. One laboratory classified the variant as pathogenic. Based on the evidence outlined above, the variant was classified as likely pathogenic.

Counsyl
Classification: Pathogenic for Salla disease. Last evaluated: 2018-02-27. Review status: no assertion criteria provided. Collection method: clinical testing. Allele origin: unknown. Not counted in ClinVar's aggregate classification.

Juha Muilu Group; Institute for Molecular Medicine Finland (FIMM)
Classification: Likely pathogenic for Salla disease. Review status: no assertion criteria provided. Collection method: not provided. Allele origin: unknown. Not counted in ClinVar's aggregate classification.
Comment: FinDis database variant: This variant was not found or characterized by our laboratory, data were collected from public sources: see reference
ClinVar note: Converted during submission from probable-pathogenic to Likely pathogenic.

Literature cited by the submitters: PubMed 10581036 (cited by Labcorp Genetics (formerly Invitae), Labcorp); PubMed 10947946 (cited by Labcorp Genetics (formerly Invitae), Labcorp); PubMed 15172001 (cited by Labcorp Genetics (formerly Invitae), Labcorp); PubMed 12592494 (cited by 3 submitters); PubMed 16715535 (cited by 3 submitters); PubMed 28662915 (cited by Labcorp Genetics (formerly Invitae), Labcorp).

NM_012434.5(SLC17A5):c.507del (p.Ala169_Leu170insTer)

Gene: SLC17A5 (solute carrier family 17 member 5; minus strand). Cytogenetic location: 6q13.
Variant type: Deletion.
Coding change: c.507del on transcript NM_012434.5 (MANE Select); coding-DNA position 507, one base deleted (A; older notation c.507delA).
Protein change: p.Ala169_Leu170insTer.
Molecular consequence: frameshift variant.
Genome position (GRCh38, 1-based): chr6:73,641,709, T deleted on the plus strand (A on the coding strand, the reverse complement: SLC17A5 is on the minus strand). VCF-style (leftmost placement, unchanged base first): chr6-73641708-GT-G. GRCh37 (hg19) VCF-style: chr6-74351431-GT-G.
Identifiers: ClinVar variation 56556 (VCV000056556.16), dbSNP rs386833992, ClinGen allele CA263927.
Genomic context (GRCh38, chr6:73,641,708, plus strand): 5'-AGACACACGGTAAGAAGTAAAACAAGAGAGAAAAGAAAATTACCTCTCCTAGTCCTTCTA[GT>G]GCTCTGAGTACAATGAGTGGTCCAACTCCTAAATCTGCAGCAATGGGAGTGAACAGGGTG-3'